The following is an entry in ClinVar:

NM_006734.4(HIVEP2):c.4636G>A (p.Gly1546Ser)

Gene: HIVEP2 (HIVEP zinc finger 2; minus strand). Cytogenetic location: 6q24.2.
Variant type: single nucleotide variant.
Coding change: c.4636G>A on transcript NM_006734.4 (MANE Select); coding-DNA position 4636, G replaced by A.
Protein change: p.Gly1546Ser; replaces glycine 1546 with serine.
Molecular consequence: missense variant.
Genome position (GRCh38, 1-based): chr6:142,770,103, C>T on the plus strand (G>A on the coding strand, the complement: HIVEP2 is on the minus strand). VCF-style: chr6-142770103-C-T. GRCh37 (hg19) VCF-style: chr6-143091240-C-T.
Other names: short protein forms G1546S.
Identifiers: ClinVar variation 1695168 (VCV001695168.36), dbSNP rs377180774, ClinGen allele CA4028039.

ClinVar aggregate classification (germline): Likely benign. Review status: criteria provided, multiple submitters, no conflicts (2 of 4 stars). 2 submissions from 2 submitters: Likely benign (2). Last evaluated 2025-02-17.

Allele frequency attached by ClinVar (database versions not stated): gnomAD exomes 0.00002; ExAC 0.00004; ESP Exome Variant Server 0.00008.
gnomAD v4.1: 18 of 1,614,076 alleles (0.0011%); highest among the groups gnomAD compares: African/African-American, 0.008%; no homozygotes.

Submissions (2):

Labcorp Genetics (formerly Invitae), Labcorp
Classification: Likely benign. Last evaluated: 2025-02-17. Review status: criteria provided, single submitter. Criteria: Invitae Variant Classification Sherloc (09022015). Collection method: clinical testing. Allele origin: germline.

CeGaT Center for Human Genetics Tuebingen
Classification: Likely benign. Last evaluated: 2022-06-01. Review status: criteria provided, single submitter. Criteria: CeGaT Center For Human Genetics Tuebingen Variant Classification Criteria Version 2. Collection method: clinical testing. Allele origin: germline. Affected: yes. Observed: 1 variant allele.
Comment: HIVEP2: BP4